The following is an entry in ClinVar:

ClinVar aggregate classification (germline): Pathogenic/Likely pathogenic. Review status: criteria provided, multiple submitters, no conflicts (2 of 4 stars). 6 submissions from 6 submitters: Pathogenic (1); Likely pathogenic (4). 1 of the submissions does not count toward it. Last evaluated 2025-10-26.

Conditions:
Centromeric instability of chromosomes 1,9 and 16 and immunodeficiency (ICF1). Also called: Immunodeficiency-centromeric instability-facial anomalies; IMMUNE DEFICIENCY, VARIABLE, WITH CENTROMERIC INSTABILITY OF CHROMOSOMES 1, 9, AND 16; IMMUNODEFICIENCY SYNDROME, VARIABLE; CENTROMERIC INSTABILITY, IMMUNODEFICIENCY SYNDROME. Identifiers: Orphanet 2268, MedGen C0398788, MONDO:0000133.
Immunodeficiency-centromeric instability-facial anomalies syndrome 1 (ICF1). Identifiers: Orphanet 2268, MedGen C4551557, MONDO:0009454, OMIM 242860.

Allele frequency attached by ClinVar (database versions not stated): gnomAD 0.00001; gnomAD exomes 0.00001 and below 0.00001; TOPMed 0.00001; ExAC 0.00001; 1000 Genomes Project 30x 0.00016; 1000 Genomes Project 0.00020.
gnomAD v4.1: 14 of 1,613,892 alleles (0.00087%); highest among the groups gnomAD compares: Non-Finnish European, 0.0011%; no homozygotes.

Submissions (6):

Labcorp Genetics (formerly Invitae), Labcorp
Classification: Likely pathogenic for Centromeric instability of chromosomes 1,9 and 16 and immunodeficiency. Last evaluated: 2025-10-26. Review status: criteria provided, single submitter. Criteria: Invitae Variant Classification Sherloc (09022015). Collection method: clinical testing. Allele origin: germline.
Comment: This sequence change falls in intron 22 of the DNMT3B gene. It does not directly change the encoded amino acid sequence of the DNMT3B protein. RNA analysis indicates that this variant induces altered splicing and likely results in the gain of 3 amino acid residue(s), but is expected to preserve the integrity of the reading-frame. The frequency data for this variant in the population databases is considered unreliable, as metrics indicate poor data quality at this position in the gnomAD database. This variant has been observed in individual(s) with clinical features of DNMT3B-related conditions and/or immunodeficiency-centromeric instability-facial anomalies syndrome (PMID: 10588719, 17908720, 28916186, 36790564). In at least one individual the data is consistent with being in trans (on the opposite chromosome) from a pathogenic variant. This variant is also known as IVS21-11G>A, c.2397-11G>A, and STP (SerThrPro) ins807. ClinVar contains an entry for this variant (Variation ID: 6741). Studies have shown that this variant results in the activation of a cryptic splice site in intron 21 (PMID: 10588719). In summary, the currently available evidence indicates that the variant is pathogenic, but additional data are needed to prove that conclusively. Therefore, this variant has been classified as Likely Pathogenic.

Women's Health and Genetics/Laboratory Corporation of America, LabCorp
Classification: Pathogenic for Immunodeficiency-centromeric instability-facial anomalies syndrome 1. Last evaluated: 2025-01-24. Review status: criteria provided, single submitter. Criteria: LabCorp Variant Classification Summary - May 2015. Collection method: clinical testing. Allele origin: germline.
Comment: Variant summary: DNMT3B c.2421-11G>A alters a non-conserved nucleotide located at a position not widely known to affect splicing. Several computational tools predict a significant impact on normal splicing: Four predict the variant abolishes the canonical 3' acceptor site and creates an alternate 3' acceptor site. At least one publication reports experimental evidence that this variant affects mRNA splicing, creating a new splice acceptor site that adds nine nucleotides to the 3' end of exon 22, effectively creating an insertion of SerThrPro just before Arg 807 (e.g. Hansen_1999). The variant allele was found at a frequency of 4e-06 in 250058 control chromosomes. c.2421-11G>A has been reported in the literature in multiple homozygous and compound heterozygous individuals affected with ICF Syndrome (e.g. Hansen_1999, Hagleitner_2007, Abolhassani_2018). These data indicate that the variant is very likely to be associated with disease. The following publications have been ascertained in the context of this evaluation (PMID: 28916186, 17893117, 10588719). ClinVar contains an entry for this variant (Variation ID: 6741). Based on the evidence outlined above, the variant was classified as pathogenic.

GeneDx
Classification: Likely pathogenic. Last evaluated: 2022-12-14. Review status: criteria provided, single submitter. Criteria: GeneDx Variant Classification Process June 2021. Collection method: clinical testing. Allele origin: germline. Affected: yes.
Comment: Reported with another DNMT3B variant in at least two unrelated individuals with ICF syndrome, but it is not known whether the variants occurred on the same (in cis) or on different (in trans) chromosomes (Okano et al.,1999, Hansen et al., 1999; Jiang et al., 2005); Published functional studies suggest this variant results in aberrant splicing (Okano et al., 1999); Not observed at significant frequency in large population cohorts (gnomAD); This variant is associated with the following publications: (PMID: 31589614, 28334849, 22378288, 10555141, 27153398, 17893117, 28916186, 21147113, 9718351, 3361388, Shirkani_2020, 23486536, 17908720, 15580563, 10588719, 11102980)

Institute of Medical Genetics and Applied Genomics, University Hospital Tübingen
Classification: Likely pathogenic. Last evaluated: 2020-10-23. Review status: criteria provided, single submitter. Criteria: ACMG Guidelines, 2015. Collection method: clinical testing. Allele origin: germline. Inheritance: Autosomal recessive inheritance. Affected: yes.

Juno Genomics, Hangzhou Juno Genomics, Inc
Classification: Likely pathogenic for Immunodeficiency-centromeric instability-facial anomalies syndrome 1. Review status: criteria provided, single submitter. Criteria: ACMG Guidelines, 2015. Collection method: clinical testing. Allele origin: germline.
Comment: Absent from controls (or at extremely low frequency if recessive) in Genome Aggregation Database.;Well-established in vitro or in vivo functional studies supportive of a damaging effect on the gene or gene product.;For recessive disorders, detected in trans with a pathogenic variant.;Patient's phenotype or family history is highly specific for a disease with a single genetic etiology.

OMIM
Classification: Pathogenic for IMMUNODEFICIENCY-CENTROMERIC INSTABILITY-FACIAL ANOMALIES SYNDROME 1. Last evaluated: 1999-10-29. Review status: no assertion criteria provided. Collection method: literature only. Allele origin: germline. Not counted in ClinVar's aggregate classification.

Literature cited by the submitters: PubMed 10588719 (cited by Labcorp Genetics (formerly Invitae), Labcorp and Women's Health and Genetics/Laboratory Corporation of America, LabCorp); PubMed 17908720 (cited by Labcorp Genetics (formerly Invitae), Labcorp); PubMed 28916186 (cited by Labcorp Genetics (formerly Invitae), Labcorp and Women's Health and Genetics/Laboratory Corporation of America, LabCorp); PubMed 36790564 (cited by Labcorp Genetics (formerly Invitae), Labcorp); PubMed 17893117 (cited by Women's Health and Genetics/Laboratory Corporation of America, LabCorp); PubMed 10555141 (cited by OMIM); PubMed 12925568 (cited by OMIM); PubMed 3361388 (cited by OMIM).

NM_006892.4(DNMT3B):c.2421-11G>A

Gene: DNMT3B (DNA methyltransferase 3 beta; plus strand). Cytogenetic location: 20q11.21.
Variant type: single nucleotide variant.
Coding change: c.2421-11G>A on transcript NM_006892.4 (MANE Select); 11 bases into the intron before coding-DNA position 2421, G replaced by A.
Molecular consequence: intron variant.
Genome position (GRCh38, 1-based): chr20:32,807,751, G>A. VCF-style: chr20-32807751-G-A. GRCh37 (hg19) VCF-style: chr20-31395557-G-A.
Other names: IVS22AS, G-A, -11; c.2361-11G>A (NM_175848.2); c.2172-11G>A (NM_175849.2); c.2046-11G>A (NM_001207055.2); c.1944-11G>A (NM_001207056.2); c.2397-11G>A (NM_175850.3).
Identifiers: ClinVar variation 6741 (VCV000006741.12), dbSNP rs547940069, ClinGen allele CA212860.